The following is an entry in ClinVar:

NM_001042681.2(RERE):c.2453_2476del (p.Pro818_Pro825del)

Gene: RERE (arginine-glutamic acid dipeptide repeats; minus strand). Cytogenetic location: 1p36.23.
Variant type: Deletion.
Coding change: c.2453_2476del on transcript NM_001042681.2 (MANE Select); coding-DNA positions 2453 to 2476, 24 bases deleted (CGCATCCCTCGCCACATCCCCCGC).
Protein change: p.Pro818_Pro825del.
Genome position (GRCh38, 1-based): chr1:8,361,031-8,361,054, GCGGGGGATGTGGCGAGGGATGCG deleted on the plus strand (CGCATCCCTCGCCACATCCCCCGC on the coding strand, the reverse complement: RERE is on the minus strand); deleting any 24 consecutive bases within chr1:8,361,031-8,361,064 gives the same sequence; the c. name uses the placement nearest the transcript's 3' end. VCF-style (leftmost placement, unchanged base first): chr1-8361030-AGCGGGGGATGTGGCGAGGGATGCG-A. GRCh37 (hg19) VCF-style: chr1-8421090-AGCGGGGGATGTGGCGAGGGATGCG-A.
Other names: c.791_814del, p.Pro264_Pro271del (NM_001042682.2); c.2453_2476del, p.Pro818_Pro825del (NM_012102.4).
Identifiers: ClinVar variation 3364701 (VCV003364701.2).

ClinVar aggregate classification (germline): Uncertain significance (1 of 4 stars; one submission).

Submission:

GeneDx
Classification: Uncertain significance. Last evaluated: 2026-03-05. Review status: criteria provided, single submitter. Criteria: GeneDx Variant Classification Process June 2021. Collection method: clinical testing. Allele origin: germline.
Comment: Not observed at significant frequency in large population cohorts (gnomAD); In-frame deletion of 8 amino acids in a non-repeat region; In silico analysis supports a deleterious effect on protein structure/function; Has not been previously published as pathogenic or benign to our knowledge